The following is an entry in ClinVar:

NM_001943.5(DSG2):c.1722C>A (p.Asp574Glu)

Gene: DSG2 (desmoglein 2; plus strand). Cytogenetic location: 18q12.1.
Variant type: single nucleotide variant.
Coding change: c.1722C>A on transcript NM_001943.5 (MANE Select); coding-DNA position 1722, C replaced by A.
Protein change: p.Asp574Glu; replaces aspartic acid 574 with glutamic acid.
Molecular consequence: missense variant.
Genome position (GRCh38, 1-based): chr18:31,538,821, C>A. VCF-style: chr18-31538821-C-A. GRCh37 (hg19) VCF-style: chr18-29118784-C-A.
Other names: short protein forms D574E.
Identifiers: ClinVar variation 838577 (VCV000838577.12), dbSNP rs2073247879, ClinGen allele CA402137242.
Genomic context (GRCh38, chr18:31,538,821, plus strand): 5'-GCTGCTGCAACAAAGTGAGAAAAAGCTTGGGAGAAGTGAAATTCAGTTCCTGATTTCAGA[C>A]AATCAGGGTTTTAGTTGTCCTGAAAAGCAGGTCCTTACACTCACAGTTTGTGAGTGTCTG-3'
Protein context (NP_001934.2, residues 564-584): GRSEIQFLIS[Asp574Glu]NQGFSCPEKQ

ClinVar aggregate classification (germline): Uncertain significance. Review status: criteria provided, multiple submitters, no conflicts (2 of 4 stars). 2 submissions from 2 submitters: Uncertain significance (2). Last evaluated 2024-03-06.

Conditions:
Cardiomyopathy (CMYO). Also called: Cardiomyopathies. Identifiers: Orphanet 167848, MedGen C0878544, MONDO:0004994, HP:0001638. Inheritance: Various modes of inheritance.
Arrhythmogenic right ventricular dysplasia 10. Also called: Arrhythmogenic right ventricular dysplasia/cardiomyopathy, type 10; ARRHYTHMOGENIC RIGHT VENTRICULAR DYSPLASIA, FAMILIAL, 10; Arrhythmogenic Right Ventricular Dysplasia/Cardiomyopathy10. Identifiers: MedGen C1857777, MONDO:0012434, OMIM 610193.

Allele frequency attached by ClinVar (database versions not stated): TOPMed below 0.00001.

Submissions (2):

Color Diagnostics, LLC DBA Color Health
Classification: Uncertain significance for Cardiomyopathy. Last evaluated: 2024-03-06. Review status: criteria provided, single submitter. Criteria: ACMG Guidelines, 2015. Collection method: clinical testing. Allele origin: germline.
Comment: This missense variant replaces aspartic acid with glutamic acid at codon 574 of the DSG2 protein. Computational prediction is inconclusive regarding the impact of this variant on protein structure and function (internally defined REVEL score threshold 0.5 < inconclusive < 0.7, PMID: 27666373). To our knowledge, functional studies have not been reported for this variant. This variant has not been reported in individuals affected with cardiovascular disorders in the literature. This variant has not been identified in the general population by the Genome Aggregation Database (gnomAD). The available evidence is insufficient to determine the role of this variant in disease conclusively. Therefore, this variant is classified as a Variant of Uncertain Significance.

Labcorp Genetics (formerly Invitae), Labcorp
Classification: Uncertain significance for Arrhythmogenic right ventricular dysplasia 10. Last evaluated: 2019-01-03. Review status: criteria provided, single submitter. Criteria: Invitae Variant Classification Sherloc (09022015). Collection method: clinical testing. Allele origin: germline.
Comment: In summary, the available evidence is currently insufficient to determine the role of this variant in disease. Therefore, it has been classified as a Variant of Uncertain Significance. Algorithms developed to predict the effect of missense changes on protein structure and function (SIFT, PolyPhen-2, Align-GVGD) all suggest that this variant is likely to be disruptive, but these predictions have not been confirmed by published functional studies and their clinical significance is uncertain. This sequence change replaces aspartic acid with glutamic acid at codon 574 of the DSG2 protein (p.Asp574Glu). The aspartic acid residue is highly conserved and there is a small physicochemical difference between aspartic acid and glutamic acid. This variant is not present in population databases (ExAC no frequency). This variant has not been reported in the literature in individuals with DSG2-related conditions.